The following is an entry in ClinVar:

ClinVar aggregate classification (germline): Likely benign. Review status: criteria provided, multiple submitters, no conflicts (2 of 4 stars). 2 submissions from 2 submitters: Likely benign (2). Last evaluated 2025-03-12.

Conditions:
LAMA2-related muscular dystrophy (LAMA2-RD). Also called: Laminin alpha 2-related dystrophy. Identifiers: MedGen C5679788, MONDO:0100228.

gnomAD v4.1: 4 of 1,614,080 alleles (0.00025%); highest among the groups gnomAD compares: Admixed American, 0.0067%; no homozygotes.

Submissions (2):

Labcorp Genetics (formerly Invitae), Labcorp
Classification: Likely benign for LAMA2-related muscular dystrophy. Last evaluated: 2025-03-12. Review status: criteria provided, single submitter. Criteria: Invitae Variant Classification Sherloc (09022015). Collection method: clinical testing. Allele origin: germline.

GeneDx
Classification: Likely benign. Last evaluated: 2016-12-23. Review status: criteria provided, single submitter. Criteria: GeneDx Variant Classification (06012015). Collection method: clinical testing. Allele origin: germline. Affected: yes.
Comment: This variant is considered likely benign or benign based on one or more of the following criteria: it is a conservative change, it occurs at a poorly conserved position in the protein, it is predicted to be benign by multiple in silico algorithms, and/or has population frequency not consistent with disease.

NM_000426.4(LAMA2):c.4656C>A (p.Ala1552=)

Gene: LAMA2 (laminin subunit alpha 2; plus strand). Cytogenetic location: 6q22.33.
Variant type: single nucleotide variant.
Coding change: c.4656C>A on transcript NM_000426.4 (MANE Select); coding-DNA position 4656, C replaced by A.
Protein change: p.Ala1552=; no amino-acid change (alanine 1552 retained).
Molecular consequence: synonymous variant.
Genome position (GRCh38, 1-based): chr6:129,353,296, C>A. VCF-style: chr6-129353296-C-A. GRCh37 (hg19) VCF-style: chr6-129674441-C-A.
Other names: c.4656C>A, p.Ala1552= (NM_001079823.2).
Identifiers: ClinVar variation 391998 (VCV000391998.9), dbSNP rs1057524318, ClinGen allele CA16605452.
Genomic context (GRCh38, chr6:129,353,296, plus strand): 5'-TGGCTCACTGCCTGTGCCCTGTGACCCTGTCACAGGATTCTGCACGTGCCGACCTGGAGC[C>A]ACGGGAAGGAAGTGTGACGGCTGCAAGCACTGGCATGCACGCGAGGGCTGGGAGTGTGTT-3'
Protein context (NP_000417.3, residues 1542-1562): VTGFCTCRPG[Ala1552=]TGRKCDGCKH